The following is an entry in ClinVar:

ClinVar aggregate classification (germline): Pathogenic (1 of 4 stars; one submission).

Conditions:
PRPH2-related disorder. Also called: PRPH2-related condition; PRPH2-related disorders. Identifiers: MedGen CN239395.

Submission:

Labcorp Genetics (formerly Invitae), Labcorp
Classification: Pathogenic for PRPH2-related disorder. Last evaluated: 2025-03-12. Review status: criteria provided, single submitter. Criteria: Invitae Variant Classification Sherloc (09022015). Collection method: clinical testing. Allele origin: germline.
Comment: This sequence change creates a premature translational stop signal (p.Arg203Thrfs*49) in the PRPH2 gene. It is expected to result in an absent or disrupted protein product. Loss-of-function variants in PRPH2 are known to be pathogenic (PMID: 8111389, 8485575, 8485576, 8675410, 16916875, 17504850, 22863181, 25675413, 26061163, 27365499, 29555955, 33546218). This variant is not present in population databases (gnomAD no frequency). This variant has not been reported in the literature in individuals affected with PRPH2-related conditions. ClinVar contains an entry for this variant (Variation ID: 2028244). For these reasons, this variant has been classified as Pathogenic.

Literature cited by the submitters: PubMed 8111389; PubMed 8485575; PubMed 8485576; PubMed 8675410; PubMed 16916875; PubMed 17504850; PubMed 22863181; PubMed 25675413; PubMed 26061163; PubMed 27365499; PubMed 29555955; PubMed 33546218.

NM_000322.5(PRPH2):c.607_619del (p.Arg203fs)

Gene: PRPH2 (peripherin 2; minus strand). Cytogenetic location: 6p21.1.
Variant type: Deletion.
Coding change: c.607_619del on transcript NM_000322.5 (MANE Select); coding-DNA positions 607 to 619, 13 bases deleted (CGGTACCTGGTGG).
Protein change: p.Arg203fs; shifts the reading frame from arginine 203.
Molecular consequence: frameshift variant.
Genome position (GRCh38, 1-based): chr6:42,704,574-42,704,586, CCACCAGGTACCG deleted on the plus strand (CGGTACCTGGTGG on the coding strand, the reverse complement: PRPH2 is on the minus strand); deleting any 13 consecutive bases within chr6:42,704,574-42,704,588 gives the same sequence; the c. name uses the placement nearest the transcript's 3' end. VCF-style (leftmost placement, unchanged base first): chr6-42704573-TCCACCAGGTACCG-T. GRCh37 (hg19) VCF-style: chr6-42672311-TCCACCAGGTACCG-T.
Other names: short protein forms R203fs.
Identifiers: ClinVar variation 2028244 (VCV002028244.4), dbSNP rs2548300822, ClinGen allele CA2580074624.